The following is an entry in ClinVar:

NM_024642.5(GALNT12):c.1342A>C (p.Met448Leu)

Gene: GALNT12 (polypeptide N-acetylgalactosaminyltransferase 12; plus strand). Cytogenetic location: 9q22.33.
Variant type: single nucleotide variant.
Coding change: c.1342A>C on transcript NM_024642.5 (MANE Select); coding-DNA position 1342, A replaced by C.
Protein change: p.Met448Leu; replaces methionine 448 with leucine.
Molecular consequence: missense variant.
Genome position (GRCh38, 1-based): chr9:98,840,131, A>C. VCF-style: chr9-98840131-A-C. GRCh37 (hg19) VCF-style: chr9-101602413-A-C.
Other names: short protein forms M448L.
Identifiers: ClinVar variation 3572305 (VCV003572305.2).

ClinVar aggregate classification (germline): Uncertain significance. Review status: criteria provided, multiple submitters, no conflicts (2 of 4 stars). 2 submissions from 2 submitters: Uncertain significance (2). Last evaluated 2025-04-10.

Submissions (2):

Ambry Genetics
Classification: Uncertain significance. Last evaluated: 2025-04-10. Review status: criteria provided, single submitter. Criteria: Ambry Variant Classification Scheme 2023. Collection method: clinical testing. Allele origin: germline.
Comment: The p.M448L variant (also known as c.1342A>C), located in coding exon 7 of the GALNT12 gene, results from an A to C substitution at nucleotide position 1342. The methionine at codon 448 is replaced by leucine, an amino acid with highly similar properties. This amino acid position is conserved. In addition, the in silico prediction for this alteration is inconclusive. Based on the available evidence, the clinical significance of this variant remains unclear.

Quest Diagnostics Nichols Institute San Juan Capistrano
Classification: Uncertain significance. Last evaluated: 2024-02-15. Review status: criteria provided, single submitter. Criteria: Quest Diagnostics criteria. Collection method: clinical testing. Allele origin: unknown.
Comment: The GALNT12 c.1342A>C (p.Met448Leu) variant has not been reported in individuals with GALNT12-related conditions in the published literature. It also has not been reported in large, multi-ethnic general populations (Genome Aggregation Database). Analysis of this variant using bioinformatics tools for the prediction of the effect of amino acid changes on protein structure and function yielded conflicting predictions that this variant is deleterious or benign. Based on the available information, we are unable to determine the clinical significance of this variant.